The following is an entry in ClinVar:

NM_001039348.3(EFEMP1):c.685G>A (p.Val229Met)

Gene: EFEMP1 (EGF-like fibulin extracellular matrix protein 1; minus strand). Cytogenetic location: 2p16.1.
Variant type: single nucleotide variant.
Coding change: c.685G>A on transcript NM_001039348.3 (MANE Select); coding-DNA position 685, G replaced by A.
Protein change: p.Val229Met; replaces valine 229 with methionine.
Molecular consequence: missense variant.
Genome position (GRCh38, 1-based): chr2:55,877,821, C>T on the plus strand (G>A on the coding strand, the complement: EFEMP1 is on the minus strand). VCF-style: chr2-55877821-C-T. GRCh37 (hg19) VCF-style: chr2-56104956-C-T.
Other names: c.685G>A, p.Val229Met (NM_001039349.3); short protein forms V229M.
Identifiers: ClinVar variation 954041 (VCV000954041.9), dbSNP rs758919353, ClinGen allele CA1668857.

ClinVar aggregate classification (germline): Uncertain significance (1 of 4 stars; one submission).

Allele frequency attached by ClinVar (database versions not stated): ExAC 0.00001; gnomAD exomes 0.00001; gnomAD 0.00003 and 0.00004; TOPMed 0.00003.

Submission:

Labcorp Genetics (formerly Invitae), Labcorp
Classification: Uncertain significance. Last evaluated: 2023-12-11. Review status: criteria provided, single submitter. Criteria: Invitae Variant Classification Sherloc (09022015). Collection method: clinical testing. Allele origin: germline.
Comment: This sequence change replaces valine, which is neutral and non-polar, with methionine, which is neutral and non-polar, at codon 229 of the EFEMP1 protein (p.Val229Met). This variant is present in population databases (rs758919353, gnomAD 0.002%). This variant has not been reported in the literature in individuals affected with EFEMP1-related conditions. ClinVar contains an entry for this variant (Variation ID: 954041). Advanced modeling of protein sequence and biophysical properties (such as structural, functional, and spatial information, amino acid conservation, physicochemical variation, residue mobility, and thermodynamic stability) performed at Invitae indicates that this missense variant is not expected to disrupt EFEMP1 protein function with a negative predictive value of 80%. In summary, the available evidence is currently insufficient to determine the role of this variant in disease. Therefore, it has been classified as a Variant of Uncertain Significance.